The following is an entry in ClinVar:

ClinVar aggregate classification (germline): Likely benign. Review status: criteria provided, multiple submitters, no conflicts (2 of 4 stars). 2 submissions from 2 submitters: Likely benign (2). Last evaluated 2025-11-12.

Conditions:
Infantile myofibromatosis (IMF). Also called: Congenital generalized fibromatosis. Identifiers: Orphanet 2591, MedGen C0432284, MONDO:0016824.
Skeletal overgrowth-craniofacial dysmorphism-hyperelastic skin-white matter lesions syndrome. Also called: SKELETAL OVERGROWTH WITH FACIAL DYSMORPHISM, HYPERELASTIC SKIN, WHITE MATTER LESIONS, AND NEUROLOGIC DETERIORATION; Kosaki overgrowth syndrome. Identifiers: Orphanet 477831, MedGen C4225270, MONDO:0014704, OMIM 616592.
Acroosteolysis-keloid-like lesions-premature aging syndrome. Also called: Premature aging syndrome, Penttinen type; Prematurely aged appearance, delayed bone maturation, acro-osteolysis, and brachydactyly; Progeroid syndrome, Penttinen type. Identifiers: Orphanet 363665, MedGen C1866182, MONDO:0011150, OMIM 601812.
Basal ganglia calcification, idiopathic, 4 (PFBC4). Also called: Familial Idiopathic Basal Ganglia Calcification 4; PRIMARY FAMILIAL BRAIN CALCIFICATION 4, AUTOSOMAL DOMINANT. Identifiers: Orphanet 1980, MedGen C3554321, MONDO:0014004, OMIM 615007.

Allele frequency attached by ClinVar (database versions not stated): gnomAD 0.00002.
gnomAD v4.1: 27 of 1,552,570 alleles (0.0017%); highest among the groups gnomAD compares: East Asian, 0.018%; 1 homozygote.

Submissions (2):

Labcorp Genetics (formerly Invitae), Labcorp
Classification: Likely benign for Basal ganglia calcification, idiopathic, 4; Skeletal overgrowth-craniofacial dysmorphism-hyperelastic skin-white matter lesions syndrome; Infantile myofibromatosis; Acroosteolysis-keloid-like lesions-premature aging syndrome. Last evaluated: 2025-11-12. Review status: criteria provided, single submitter. Criteria: Invitae Variant Classification Sherloc (09022015). Collection method: clinical testing. Allele origin: germline.

Women's Health and Genetics/Laboratory Corporation of America, LabCorp
Classification: Likely benign. Last evaluated: 2024-10-31. Review status: criteria provided, single submitter. Criteria: LabCorp Variant Classification Summary - May 2015. Collection method: clinical testing. Allele origin: germline.
Comment: Variant summary: PDGFRB c.364+15C>G alters a non-conserved nucleotide located at a position not widely known to affect splicing. Consensus agreement among computation tools predict no significant impact on normal splicing. However, these predictions have yet to be confirmed by functional studies. The variant allele was found at a frequency of 1.3e-05 in 229288 control chromosomes, predominantly at a frequency of 0.00016 within the East Asian subpopulation in the gnomAD database. The available data on variant occurrences in the general population are insufficient to allow any conclusion about variant significance. To our knowledge, no occurrence of c.364+15C>G in individuals affected with PDGFRB-Related Disorders and no experimental evidence demonstrating its impact on protein function have been reported. ClinVar contains an entry for this variant (Variation ID: 2949902). Based on the evidence outlined above, the variant was classified as likely benign.

NM_002609.4(PDGFRB):c.364+15C>G

Gene: PDGFRB (platelet derived growth factor receptor beta; minus strand). Cytogenetic location: 5q32.
Variant type: single nucleotide variant.
Coding change: c.364+15C>G on transcript NM_002609.4 (MANE Select); 15 bases into the intron after coding-DNA position 364, C replaced by G.
Molecular consequence: intron variant.
Genome position (GRCh38, 1-based): chr5:150,135,540, G>C on the plus strand (C>G on the coding strand, the complement: PDGFRB is on the minus strand). VCF-style: chr5-150135540-G-C. GRCh37 (hg19) VCF-style: chr5-149515103-G-C.
Other names: c.-154+15C>G (NM_001355017.2); c.172+15C>G (NM_001355016.2).
Identifiers: ClinVar variation 2949902 (VCV002949902.4), dbSNP rs1277704061, ClinGen allele CA563956452.